The following is an entry in ClinVar:

ClinVar aggregate classification (germline): Uncertain significance. Review status: criteria provided, multiple submitters, no conflicts (2 of 4 stars). 3 submissions from 3 submitters: Uncertain significance (3). Last evaluated 2024-04-02.

Conditions:
Galloway-Mowat syndrome 1 (GAMOS1). Identifiers: Orphanet 2065, Orphanet 83472, MedGen C4551772, MONDO:0033005, OMIM 251300.
Inborn genetic diseases. Identifiers: MedGen C0950123, MeSH D030342.

Allele frequency attached by ClinVar (database versions not stated): ExAC 0.00001.

Submissions (3):

Fulgent Genetics
Classification: Uncertain significance for Galloway-Mowat syndrome 1. Last evaluated: 2024-04-02. Review status: criteria provided, single submitter. Criteria: ACMG Guidelines, 2015. Collection method: clinical testing. Allele origin: germline.

Ambry Genetics
Classification: Uncertain significance for Inborn genetic diseases. Last evaluated: 2023-03-13. Review status: criteria provided, single submitter. Criteria: Ambry Variant Classification Scheme 2023. Collection method: clinical testing. Allele origin: germline.

Labcorp Genetics (formerly Invitae), Labcorp
Classification: Uncertain significance. Last evaluated: 2022-07-11. Review status: criteria provided, single submitter. Criteria: Invitae Variant Classification Sherloc (09022015). Collection method: clinical testing. Allele origin: germline.
Comment: This sequence change replaces aspartic acid, which is acidic and polar, with valine, which is neutral and non-polar, at codon 2 of the WDR73 protein (p.Asp2Val). This variant is present in population databases (rs745828681, gnomAD 0.009%). This variant has not been reported in the literature in individuals affected with WDR73-related conditions. Algorithms developed to predict the effect of missense changes on protein structure and function are either unavailable or do not agree on the potential impact of this missense change (SIFT: "Deleterious"; PolyPhen-2: "Benign"; Align-GVGD: "Class C0"). In summary, the available evidence is currently insufficient to determine the role of this variant in disease. Therefore, it has been classified as a Variant of Uncertain Significance.

NM_032856.5(WDR73):c.5A>T (p.Asp2Val)

Gene: WDR73 (WD repeat domain 73; minus strand). Cytogenetic location: 15q25.2.
Variant type: single nucleotide variant.
Coding change: c.5A>T on transcript NM_032856.5 (MANE Select); coding-DNA position 5, A replaced by T.
Protein change: p.Asp2Val; replaces aspartic acid 2 with valine.
Molecular consequence: missense variant. On other transcripts: non-coding transcript variant (4).
Genome position (GRCh38, 1-based): chr15:84,654,270, T>A on the plus strand (A>T on the coding strand, the complement: WDR73 is on the minus strand). VCF-style: chr15-84654270-T-A. GRCh37 (hg19) VCF-style: chr15-85197501-T-A.
Other names: c.5A>T (NM_032856.2); short protein forms D2V.
Identifiers: ClinVar variation 1896290 (VCV001896290.5), dbSNP rs745828681, ClinGen allele CA7707559.